The following is an entry in ClinVar:

ClinVar aggregate classification (germline): Uncertain significance. Review status: criteria provided, multiple submitters, no conflicts (2 of 4 stars). 2 submissions from 2 submitters: Uncertain significance (2). Last evaluated 2024-10-09.

Conditions:
Inborn genetic diseases. Identifiers: MedGen C0950123, MeSH D030342.

Allele frequency attached by ClinVar (database versions not stated): gnomAD 0.00002; gnomAD exomes 0.00002; TOPMed 0.00003; ExAC 0.00007.
gnomAD v4.1: 35 of 1,577,494 alleles (0.0022%); highest among the groups gnomAD compares: Admixed American, 0.013%; no homozygotes.

Submissions (2):

Labcorp Genetics (formerly Invitae), Labcorp
Classification: Uncertain significance. Last evaluated: 2024-10-09. Review status: criteria provided, single submitter. Criteria: Invitae Variant Classification Sherloc (09022015). Collection method: clinical testing. Allele origin: germline.
Comment: This sequence change replaces arginine, which is basic and polar, with histidine, which is basic and polar, at codon 658 of the TCIRG1 protein (p.Arg658His). The frequency data for this variant in the population databases is considered unreliable, as metrics indicate poor data quality at this position in the gnomAD database. This variant has not been reported in the literature in individuals affected with TCIRG1-related conditions. ClinVar contains an entry for this variant (Variation ID: 2141825). Invitae Evidence Modeling of protein sequence and biophysical properties (such as structural, functional, and spatial information, amino acid conservation, physicochemical variation, residue mobility, and thermodynamic stability) indicates that this missense variant is not expected to disrupt TCIRG1 protein function with a negative predictive value of 80%. In summary, the available evidence is currently insufficient to determine the role of this variant in disease. Therefore, it has been classified as a Variant of Uncertain Significance.

Ambry Genetics
Classification: Uncertain significance for Inborn genetic diseases. Last evaluated: 2024-03-25. Review status: criteria provided, single submitter. Criteria: Ambry Variant Classification Scheme 2023. Collection method: clinical testing. Allele origin: germline.

NM_006019.4(TCIRG1):c.1973G>A (p.Arg658His)

Gene: TCIRG1 (T cell immune regulator 1, ATPase H+ transporting V0 subunit a3; plus strand). Cytogenetic location: 11q13.2.
Variant type: single nucleotide variant.
Coding change: c.1973G>A on transcript NM_006019.4 (MANE Select); coding-DNA position 1973, G replaced by A.
Protein change: p.Arg658His; replaces arginine 658 with histidine.
Molecular consequence: missense variant.
Genome position (GRCh38, 1-based): chr11:68,049,748, G>A. VCF-style: chr11-68049748-G-A. GRCh37 (hg19) VCF-style: chr11-67817215-G-A.
Other names: c.1079G>A, p.Arg360His (NM_001351059.2); c.1325G>A, p.Arg442His (NM_006053.4); c.1973G>A (NM_006019.3); short protein forms R658H, R360H, R442H.
Identifiers: ClinVar variation 2141825 (VCV002141825.3), dbSNP rs747971622, ClinGen allele CA6147332.